The following is an entry in ClinVar:

NM_000214.3(JAG1):c.709G>A (p.Gly237Ser)

Gene: JAG1 (jagged canonical Notch ligand 1; minus strand). Cytogenetic location: 20p12.2.
Variant type: single nucleotide variant.
Coding change: c.709G>A on transcript NM_000214.3 (MANE Select); coding-DNA position 709, G replaced by A.
Protein change: p.Gly237Ser; replaces glycine 237 with serine.
Molecular consequence: missense variant.
Genome position (GRCh38, 1-based): chr20:10,656,444, C>T on the plus strand (G>A on the coding strand, the complement: JAG1 is on the minus strand). VCF-style: chr20-10656444-C-T. GRCh37 (hg19) VCF-style: chr20-10637092-C-T.
Other names: short protein forms G237S.
Identifiers: ClinVar variation 1757144 (VCV001757144.2), dbSNP rs1307772971, ClinGen allele CA408239841.
Genomic context (GRCh38, chr20:10,656,444, plus strand): 5'-ACCAGTTGATTTACCTGCAGTCACCTGGGAGTTTGCAAGACCCATGCTTAGGACTGCAGC[C>T]TTGTCGGCAAATAGCTGTAAAAAACAGAGAAGGGCGTGTCAGCACACTGCCTGTTCCTTG-3'
Protein context (NP_000205.1, residues 227-247): PECNRAICRQ[Gly237Ser]CSPKHGSCKL

ClinVar aggregate classification (germline): Uncertain significance (1 of 4 stars; one submission).

Conditions:
Cardiovascular phenotype. Identifiers: MedGen CN230736.

Allele frequency attached by ClinVar (database versions not stated): gnomAD exomes below 0.00001.
gnomAD v4.1: 4 of 1,614,020 alleles (0.00025%); highest among the groups gnomAD compares: Non-Finnish European, 0.00034%; no homozygotes.

Submission:

Ambry Genetics
Classification: Uncertain significance for Cardiovascular phenotype. Last evaluated: 2022-01-02. Review status: criteria provided, single submitter. Criteria: Ambry Variant Classification Scheme 2023. Collection method: clinical testing. Allele origin: germline.
Comment: The p.G237S variant (also known as c.709G>A), located in coding exon 5 of the JAG1 gene, results from a G to A substitution at nucleotide position 709. The glycine at codon 237 is replaced by serine, an amino acid with similar properties. This amino acid position is conserved. In addition, this alteration is predicted to be deleterious by in silico analysis. Since supporting evidence is limited at this time, the clinical significance of this alteration remains unclear.